The following is an entry in ClinVar:

NM_000069.3(CACNA1S):c.4461C>A (p.Asn1487Lys)

Gene: CACNA1S (calcium voltage-gated channel subunit alpha1 S; minus strand). Cytogenetic location: 1q32.1.
Variant type: single nucleotide variant.
Coding change: c.4461C>A on transcript NM_000069.3 (MANE Select); coding-DNA position 4461, C replaced by A.
Protein change: p.Asn1487Lys; replaces asparagine 1487 with lysine.
Molecular consequence: missense variant.
Genome position (GRCh38, 1-based): chr1:201,047,607, G>T on the plus strand (C>A on the coding strand, the complement: CACNA1S is on the minus strand). VCF-style: chr1-201047607-G-T. GRCh37 (hg19) VCF-style: chr1-201016735-G-T.
Other names: short protein forms N1487K.
Identifiers: ClinVar variation 1397400 (VCV001397400.8), dbSNP rs149668892, ClinGen allele CA35996651.

ClinVar aggregate classification (germline): Uncertain significance. Review status: criteria provided, multiple submitters, no conflicts (2 of 4 stars). 3 submissions from 3 submitters: Uncertain significance (3). Last evaluated 2024-03-24.

Conditions:
Hypokalemic periodic paralysis, type 1. Also called: HypoPP; Hypokalemic Periodic Paralysis Type 1 (AD). Identifiers: Orphanet 681, MedGen C3714580, MONDO:0042979, OMIM 170400.
Malignant hyperthermia, susceptibility to, 5 (MHS5). Also called: CACNA1S-Related Malignant Hyperthermia Susceptibility. Identifiers: Orphanet 423, MedGen C1866077, MONDO:0011163, OMIM 601887.

gnomAD v4.1: 1 of 1,614,098 alleles (0.000062%); highest among the groups gnomAD compares: Non-Finnish European, 0.000085%; no homozygotes.

Submissions (3):

All of Us Research Program, National Institutes of Health
Classification: Uncertain significance for Malignant hyperthermia, susceptibility to, 5. Last evaluated: 2024-03-24. Review status: criteria provided, single submitter. Criteria: ACMG Guidelines, 2015. Collection method: clinical testing. Allele origin: germline. Inheritance: Autosomal dominant inheritance. Observed: 1 variant allele, 1 heterozygote.
Comment: This missense variant replaces asparagine with lysine at codon 1487 of the CACNA1S protein. Computational prediction suggests that this variant may not impact protein structure and function (internally defined REVEL score threshold <= 0.5, PMID: 27666373). To our knowledge, functional studies have not been reported for this variant. This variant has not been reported in individuals affected with CACNA1S-related disorders in the literature. This variant has not been identified in the general population by the Genome Aggregation Database (gnomAD). The available evidence is insufficient to determine the role of this variant in disease conclusively. Therefore, this variant is classified as a Variant of Uncertain Significance.

This study involves interpretation of variants in research participants for the purpose of population health screening. Participant phenotype was not available at the time of variant classification. Additional details can be found in publication PMID: 35346344, PMCID: PMC8962531

Color Diagnostics, LLC DBA Color Health
Classification: Uncertain significance for Malignant hyperthermia, susceptibility to, 5. Last evaluated: 2024-01-30. Review status: criteria provided, single submitter. Criteria: ACMG Guidelines, 2015. Collection method: clinical testing. Allele origin: germline.
Comment: This missense variant replaces asparagine with lysine at codon 1487 of the CACNA1S protein. Computational prediction suggests that this variant may not impact protein structure and function. To our knowledge, functional studies have not been reported for this variant. This variant has not been reported in individuals affected with CACNA1S-related disorders in the literature. This variant has not been identified in the general population by the Genome Aggregation Database (gnomAD). The available evidence is insufficient to determine the role of this variant in disease conclusively. Therefore, this variant is classified as a Variant of Uncertain Significance.

Labcorp Genetics (formerly Invitae), Labcorp
Classification: Uncertain significance for Hypokalemic periodic paralysis, type 1; Malignant hyperthermia, susceptibility to, 5. Last evaluated: 2021-11-01. Review status: criteria provided, single submitter. Criteria: Invitae Variant Classification Sherloc (09022015). Collection method: clinical testing. Allele origin: germline.
Comment: In summary, the available evidence is currently insufficient to determine the role of this variant in disease. Therefore, it has been classified as a Variant of Uncertain Significance. Advanced modeling of protein sequence and biophysical properties (such as structural, functional, and spatial information, amino acid conservation, physicochemical variation, residue mobility, and thermodynamic stability) performed at Invitae indicates that this missense variant is not expected to disrupt CACNA1S protein function. This variant has not been reported in the literature in individuals affected with CACNA1S-related conditions. This variant is not present in population databases (gnomAD no frequency). This sequence change replaces asparagine, which is neutral and polar, with lysine, which is basic and polar, at codon 1487 of the CACNA1S protein (p.Asn1487Lys).